The following is an entry in ClinVar:

ClinVar aggregate classification (germline): Likely benign (1 of 4 stars; one submission).

gnomAD v4.1: 2 of 1,614,098 alleles (0.00012%); highest among the groups gnomAD compares: South Asian, 0.0011%; no homozygotes.

Submission:

CeGaT Center for Human Genetics Tuebingen
Classification: Likely benign. Last evaluated: 2026-09-01. Review status: criteria provided, single submitter. Criteria: CeGaT Center For Human Genetics Tuebingen Variant Classification Criteria Version 2. Collection method: clinical testing. Allele origin: germline. Affected: yes. Observed: 1 variant allele.
Comment: ARHGEF10: BP4, BP7

NM_014629.4(ARHGEF10):c.1629A>G (p.Pro543=)

Gene: ARHGEF10 (Rho guanine nucleotide exchange factor 10; plus strand). Cytogenetic location: 8p23.3.
Variant type: single nucleotide variant.
Coding change: c.1629A>G on transcript NM_014629.4 (MANE Select); coding-DNA position 1629, A replaced by G.
Protein change: p.Pro543=; no amino-acid change (proline 543 retained).
Molecular consequence: synonymous variant.
Genome position (GRCh38, 1-based): chr8:1,898,504, A>G. VCF-style: chr8-1898504-A-G. GRCh37 (hg19) VCF-style: chr8-1846670-A-G.
Other names: c.1515A>G, p.Pro505= (NM_001308152.2, NM_001438094.1); c.1629A>G, p.Pro543= (NM_001308153.3); c.1632A>G, p.Pro544= (NM_001438091.1); c.1512A>G, p.Pro504= (NM_001438092.1, NM_001438093.1).
Identifiers: ClinVar variation 5041273 (VCV005041273.1).